The following is an entry in ClinVar:

ClinVar aggregate classification (germline): Conflicting classifications of pathogenicity. Review status: criteria provided, conflicting classifications (1 of 4 stars). 3 submissions from 3 submitters: Uncertain significance (1); Likely benign (2). Last evaluated 2026-01-27.

Conditions:
Muscular dystrophy-dystroglycanopathy (congenital with brain and eye anomalies), type A2. Also called: MUSCULAR DYSTROPHY-DYSTROGLYCANOPATHY (CONGENITAL WITH BRAIN AND EYE ANOMALIES), TYPE A, 2; WALKER-WARBURG SYNDROME OR MUSCLE-EYE-BRAIN DISEASE, POMT2-RELATED. Identifiers: Orphanet 588, Orphanet 899, MedGen C3150411, MONDO:0013154, OMIM 613150.
Muscular dystrophy-dystroglycanopathy (congenital with impaired intellectual development), type B, 2. Also called: Muscular dystrophy-dystroglycanopathy (congenital with intellectual disability), type B2; MUSCULAR DYSTROPHY, CONGENITAL, POMT2-RELATED. Identifiers: MedGen C3150416, MONDO:0013160, OMIM 613156.
Autosomal recessive limb-girdle muscular dystrophy type 2N. Also called: MUSCULAR DYSTROPHY-DYSTROGLYCANOPATHY, LIMB-GIRDLE, POMT2-RELATED; Muscular dystrophy-dystroglycanopathy (limb-girdle), type C, 2. Identifiers: Orphanet 206559, MedGen C3150418, MONDO:0013162, OMIM 613158.

Allele frequency attached by ClinVar (database versions not stated): gnomAD 0.00016; 1000 Genomes Project 0.00020; TOPMed 0.00031; 1000 Genomes Project 30x 0.00016; ESP Exome Variant Server 0.00023.
gnomAD v4.1: 60 of 1,613,802 alleles (0.0037%); highest among the groups gnomAD compares: African/African-American, 0.065%; no homozygotes.

Submissions (3):

Labcorp Genetics (formerly Invitae), Labcorp
Classification: Likely benign for Muscular dystrophy-dystroglycanopathy (congenital with impaired intellectual development), type B, 2; Muscular dystrophy-dystroglycanopathy (congenital with brain and eye anomalies), type A2; Autosomal recessive limb-girdle muscular dystrophy type 2N. Last evaluated: 2026-01-27. Review status: criteria provided, single submitter. Criteria: Invitae Variant Classification Sherloc (09022015). Collection method: clinical testing. Allele origin: germline.

Eurofins Ntd Llc (ga)
Classification: Uncertain significance. Last evaluated: 2017-05-24. Review status: criteria provided, single submitter. Criteria: EGL Classification Definitions 2015. Collection method: clinical testing. Allele origin: germline. Observed: 3 variant alleles, 3 heterozygotes.

GeneDx
Classification: Likely benign. Last evaluated: 2016-06-23. Review status: criteria provided, single submitter. Criteria: GeneDx Variant Classification (06012015). Collection method: clinical testing. Allele origin: germline. Affected: yes.
Comment: This variant is considered likely benign or benign based on one or more of the following criteria: it is a conservative change, it occurs at a poorly conserved position in the protein, it is predicted to be benign by multiple in silico algorithms, and/or has population frequency not consistent with disease.

NM_013382.7(POMT2):c.1206A>C (p.Pro402=)

Gene: POMT2 (protein O-mannosyltransferase 2; minus strand). Cytogenetic location: 14q24.3.
Variant type: single nucleotide variant.
Coding change: c.1206A>C on transcript NM_013382.7 (MANE Select); coding-DNA position 1206, A replaced by C.
Protein change: p.Pro402=; no amino-acid change (proline 402 retained).
Molecular consequence: synonymous variant.
Genome position (GRCh38, 1-based): chr14:77,288,809, T>G on the plus strand (A>C on the coding strand, the complement: POMT2 is on the minus strand). VCF-style: chr14-77288809-T-G. GRCh37 (hg19) VCF-style: chr14-77755152-T-G.
Identifiers: ClinVar variation 386968 (VCV000386968.15), dbSNP rs142479943, ClinGen allele CA7285925.